The following is an entry in ClinVar:

NM_000051.4(ATM):c.962A>G (p.Asn321Ser)

Gene: ATM (ATM serine/threonine kinase; plus strand). Cytogenetic location: 11q22.3.
Variant type: single nucleotide variant.
Coding change: c.962A>G on transcript NM_000051.4 (MANE Select); coding-DNA position 962, A replaced by G.
Protein change: p.Asn321Ser; replaces asparagine 321 with serine.
Molecular consequence: missense variant.
Genome position (GRCh38, 1-based): chr11:108,247,024, A>G. VCF-style: chr11-108247024-A-G. GRCh37 (hg19) VCF-style: chr11-108117751-A-G.
Other names: c.962A>G, p.Asn321Ser (NM_001351834.2); short protein forms N321S.
Identifiers: ClinVar variation 482541 (VCV000482541.21), dbSNP rs1555068398, ClinGen allele CA382530951.

ClinVar aggregate classification (germline): Uncertain significance. Review status: criteria provided, multiple submitters, no conflicts (2 of 4 stars). 4 submissions from 4 submitters: Uncertain significance (4). Last evaluated 2026-04-09.

Conditions:
Hereditary cancer-predisposing syndrome. Also called: Tumor predisposition; Hereditary Cancer Syndrome; Hereditary neoplastic syndrome; Neoplastic Syndromes, Hereditary. Identifiers: Orphanet 140162, MedGen C0027672, MeSH D009386, MONDO:0015356.
Ataxia-telangiectasia syndrome (AT). Also called: Cerebello-oculocutaneous telangiectasia; Immunodeficiency with ataxia telangiectasia; AT, COMPLEMENTATION GROUP C; ATAXIA-TELANGIECTASIA, COMPLEMENTATION GROUP A; ATAXIA-TELANGIECTASIA, FRESNO VARIANT; Ataxia-telangiectasia. Identifiers: Orphanet 100, MedGen C0004135, MONDO:0008840, OMIM 208900.

Allele frequency attached by ClinVar (database versions not stated): gnomAD exomes below 0.00001.
gnomAD v4.1: 5 of 1,613,374 alleles (0.00031%); highest among the groups gnomAD compares: Non-Finnish European, 0.00042%; no homozygotes.

Submissions (4):

Women's Health and Genetics/Laboratory Corporation of America, LabCorp
Classification: Uncertain significance. Last evaluated: 2026-04-09. Review status: criteria provided, single submitter. Criteria: LabCorp Variant Classification Summary - May 2015. Collection method: clinical testing. Allele origin: germline.
Comment: Variant summary: ATM c.962A>G (p.Asn321Ser) results in a conservative amino acid change in the encoded protein sequence. Algorithms developed to predict the effect of missense changes on protein structure and function all suggest that this variant is likely to be tolerated. The variant was absent in 251086 control chromosomes. The available data on variant occurrences in the general population are insufficient to allow any conclusion about variant significance. To our knowledge, no occurrence of c.962A>G in individuals affected with ATM-related conditions and no experimental evidence demonstrating its impact on protein function have been reported. ClinVar contains an entry for this variant (Variation ID: 482541). Based on the evidence outlined above, the variant was classified as uncertain significance.

Labcorp Genetics (formerly Invitae), Labcorp
Classification: Uncertain significance for Ataxia-telangiectasia syndrome. Last evaluated: 2025-09-25. Review status: criteria provided, single submitter. Criteria: Invitae Variant Classification Sherloc (09022015). Collection method: clinical testing. Allele origin: germline.
Comment: This sequence change replaces asparagine, which is neutral and polar, with serine, which is neutral and polar, at codon 321 of the ATM protein (p.Asn321Ser). This variant is not present in population databases (gnomAD no frequency). This variant has not been reported in the literature in individuals affected with ATM-related conditions. ClinVar contains an entry for this variant (Variation ID: 482541). Invitae Evidence Modeling of protein sequence and biophysical properties (such as structural, functional, and spatial information, amino acid conservation, physicochemical variation, residue mobility, and thermodynamic stability) indicates that this missense variant is not expected to disrupt ATM protein function with a negative predictive value of 95%. In summary, the available evidence is currently insufficient to determine the role of this variant in disease. Therefore, it has been classified as a Variant of Uncertain Significance.

Ambry Genetics
Classification: Uncertain significance for Hereditary cancer-predisposing syndrome. Last evaluated: 2025-04-18. Review status: criteria provided, single submitter. Criteria: Ambry Variant Classification Scheme 2023. Collection method: clinical testing. Allele origin: germline.
Comment: The p.N321S variant (also known as c.962A>G), located in coding exon 7 of the ATM gene, results from an A to G substitution at nucleotide position 962. The asparagine at codon 321 is replaced by serine, an amino acid with highly similar properties. This amino acid position is not well conserved in available vertebrate species. In addition, this alteration is predicted to be tolerated by in silico analysis. Since supporting evidence is limited at this time, the clinical significance of this alteration remains unclear.

Color Diagnostics, LLC DBA Color Health
Classification: Uncertain significance for Hereditary cancer-predisposing syndrome. Last evaluated: 2024-06-24. Review status: criteria provided, single submitter. Criteria: ACMG Guidelines, 2015. Collection method: clinical testing. Allele origin: germline.
Comment: This missense variant replaces asparagine with serine at codon 321 of the ATM protein. Computational prediction suggests that this variant may not impact protein structure and function. To our knowledge, functional studies have not been reported for this variant. This variant has not been reported in individuals affected with hereditary cancer in the literature. This variant has not been identified in the general population by the Genome Aggregation Database (gnomAD). The available evidence is insufficient to determine the role of this variant in disease conclusively. Therefore, this variant is classified as a Variant of Uncertain Significance.